The following is an entry in ClinVar:

NM_001162501.2(TNRC6B):c.4774T>A (p.Ser1592Thr)

Gene: TNRC6B (trinucleotide repeat containing adaptor 6B; plus strand). Cytogenetic location: 22q13.1.
Variant type: single nucleotide variant.
Coding change: c.4774T>A on transcript NM_001162501.2 (MANE Select); coding-DNA position 4774, T replaced by A.
Protein change: p.Ser1592Thr; replaces serine 1592 with threonine.
Molecular consequence: missense variant.
Genome position (GRCh38, 1-based): chr22:40,315,378, T>A. VCF-style: chr22-40315378-T-A. GRCh37 (hg19) VCF-style: chr22-40711382-T-A.
Other names: c.2362T>A, p.Ser788Thr (NM_001024843.2); c.4444T>A, p.Ser1482Thr (NM_015088.3); short protein forms S1482T, S1592T, S788T.
Identifiers: ClinVar variation 1343848 (VCV001343848.2), dbSNP rs1164634371, ClinGen allele CA411670085.

ClinVar aggregate classification (germline): Uncertain significance (1 of 4 stars; one submission).

Allele frequency attached by ClinVar (database versions not stated): TOPMed below 0.00001; gnomAD 0.00001.
gnomAD v4.1: 1 of 1,613,818 alleles (0.000062%); highest among the groups gnomAD compares: Admixed American, 0.0017%; no homozygotes.

Submission:

GeneDx
Classification: Uncertain significance. Last evaluated: 2020-08-17. Review status: criteria provided, single submitter. Criteria: GeneDx Variant Classification Process June 2021. Collection method: clinical testing. Allele origin: germline. Affected: yes.
Comment: Not observed in large population cohorts (gnomAD); In silico analysis supports that this missense variant does not alter protein structure/function; Has not been previously published as pathogenic or benign to our knowledge